The following is an entry in ClinVar:

NM_000038.6(APC):c.7725T>G (p.Ser2575=)

Gene: APC (APC regulator of Wnt signaling pathway; plus strand). Cytogenetic location: 5q22.2.
Variant type: single nucleotide variant.
Coding change: c.7725T>G on transcript NM_000038.6 (MANE Select); coding-DNA position 7725, T replaced by G.
Protein change: p.Ser2575=; no amino-acid change (serine 2575 retained).
Molecular consequence: synonymous variant. On other transcripts: non-coding transcript variant (2).
Genome position (GRCh38, 1-based): chr5:112,843,319, T>G. VCF-style: chr5-112843319-T-G. GRCh37 (hg19) VCF-style: chr5-112179016-T-G.
Other names: c.7725T>G, p.Ser2575= (NM_001127510.3, NM_001354895.2, NM_001407450.1); c.7671T>G, p.Ser2557= (NM_001127511.3); c.7779T>G, p.Ser2593= (NM_001354896.2, NM_001407447.1, NM_001407448.1 and 1 more transcripts); c.7755T>G, p.Ser2585= (NM_001354897.2); c.7650T>G, p.Ser2550= (NM_001354898.2); c.7641T>G, p.Ser2547= (NM_001354899.2); c.7602T>G, p.Ser2534= (NM_001354900.2); c.7548T>G, p.Ser2516= (NM_001354901.2, NM_001407453.1); and 11 more.
Identifiers: ClinVar variation 4085719 (VCV004085719.8).

ClinVar aggregate classification (germline): Likely benign (1 of 4 stars; one submission).

Submission:

CeGaT Center for Human Genetics Tuebingen
Classification: Likely benign. Last evaluated: 2025-08-01. Review status: criteria provided, single submitter. Criteria: CeGaT Center For Human Genetics Tuebingen Variant Classification Criteria Version 2. Collection method: clinical testing. Allele origin: germline. Affected: yes. Observed: 1 variant allele.
Comment: APC: PM2:Supporting, BP4, BP7